The following is an entry in ClinVar:

NM_016616.5(NME8):c.169A>G (p.Asn57Asp)

Gene: NME8 (NME/NM23 family member 8; plus strand). Cytogenetic location: 7p14.1.
Variant type: single nucleotide variant.
Coding change: c.169A>G on transcript NM_016616.5 (MANE Select); coding-DNA position 169, A replaced by G.
Protein change: p.Asn57Asp; replaces asparagine 57 with aspartic acid.
Molecular consequence: missense variant.
Genome position (GRCh38, 1-based): chr7:37,850,706, A>G. VCF-style: chr7-37850706-A-G. GRCh37 (hg19) VCF-style: chr7-37890308-A-G.
Other names: short protein forms N57D.
Identifiers: ClinVar variation 2625366 (VCV002625366.5), dbSNP rs759876007, ClinGen allele CA4222075.

ClinVar aggregate classification (germline): Uncertain significance. Review status: criteria provided, multiple submitters, no conflicts (2 of 4 stars). 2 submissions from 2 submitters: Uncertain significance (2). Last evaluated 2024-10-12.

Conditions:
Primary ciliary dyskinesia. Also called: Ciliary dyskinesia. Identifiers: Orphanet 244, MedGen C0008780, MONDO:0016575, HP:0012265.
Primary ciliary dyskinesia 6. Also called: Primary Ciliary Dyskinesia 6: TXNDC3-Related Primary Ciliary Dyskinesia. Identifiers: Orphanet 244, MedGen C1970506, MONDO:0012571, OMIM 610852.

Allele frequency attached by ClinVar (database versions not stated): ExAC 0.00001; gnomAD exomes 0.00001; TOPMed 0.00001.
gnomAD v4.1: 17 of 1,613,394 alleles (0.0011%); highest among the groups gnomAD compares: Non-Finnish European, 0.0014%; no homozygotes.

Submissions (2):

Ambry Genetics
Classification: Uncertain significance for Primary ciliary dyskinesia. Last evaluated: 2024-10-12. Review status: criteria provided, single submitter. Criteria: Ambry Variant Classification Scheme 2023. Collection method: clinical testing. Allele origin: germline.

Labcorp Genetics (formerly Invitae), Labcorp
Classification: Uncertain significance for Primary ciliary dyskinesia 6. Last evaluated: 2024-07-27. Review status: criteria provided, single submitter. Criteria: Invitae Variant Classification Sherloc (09022015). Collection method: clinical testing. Allele origin: germline.
Comment: This sequence change replaces asparagine, which is neutral and polar, with aspartic acid, which is acidic and polar, at codon 57 of the NME8 protein (p.Asn57Asp). This variant is present in population databases (rs759876007, gnomAD 0.002%). This variant has not been reported in the literature in individuals affected with NME8-related conditions. ClinVar contains an entry for this variant (Variation ID: 2625366). Advanced modeling of protein sequence and biophysical properties (such as structural, functional, and spatial information, amino acid conservation, physicochemical variation, residue mobility, and thermodynamic stability) performed at Invitae indicates that this missense variant is not expected to disrupt NME8 protein function with a negative predictive value of 80%. In summary, the available evidence is currently insufficient to determine the role of this variant in disease. Therefore, it has been classified as a Variant of Uncertain Significance.